The following is an entry in ClinVar:

NM_018238.4(AGK):c.1211T>G (p.Leu404Arg)

Gene: AGK (acylglycerol kinase; plus strand). Cytogenetic location: 7q34.
Variant type: single nucleotide variant.
Coding change: c.1211T>G on transcript NM_018238.4 (MANE Select); coding-DNA position 1211, T replaced by G.
Protein change: p.Leu404Arg; replaces leucine 404 with arginine.
Molecular consequence: missense variant.
Genome position (GRCh38, 1-based): chr7:141,652,866, T>G. VCF-style: chr7-141652866-T-G. GRCh37 (hg19) VCF-style: chr7-141352666-T-G.
Other names: short protein forms L404R.
Identifiers: ClinVar variation 4023981 (VCV004023981.2).
Genomic context (GRCh38, chr7:141,652,866, plus strand): 5'-GCATTGACAGTGAGGAGTATGAAGCGATGCCTGTGGAGGTGAAACTGCTCCCCAGGAAGC[T>G]GCAGTTCTTCTGTGATCCTAGGAAGAGAGAACAGATGCTCACAAGCCCCACCCAGTGAGC-3'
Protein context (NP_060708.1, residues 394-414): PVEVKLLPRK[Leu404Arg]QFFCDPRKRE

ClinVar aggregate classification (germline): Uncertain significance. Review status: criteria provided, multiple submitters, no conflicts (2 of 4 stars). 2 submissions from 2 submitters: Uncertain significance (2). Last evaluated 2025-06-05.

Conditions:
Inborn genetic diseases. Identifiers: MedGen C0950123, MeSH D030342.

gnomAD v4.1: 6 of 1,613,920 alleles (0.00037%); highest among the groups gnomAD compares: Non-Finnish European, 0.00051%; no homozygotes.

Submissions (2):

GeneDx
Classification: Uncertain significance. Last evaluated: 2025-06-05. Review status: criteria provided, single submitter. Criteria: GeneDx Variant Classification Process June 2021. Collection method: clinical testing. Allele origin: germline. Affected: yes.
Comment: Not observed at significant frequency in large population cohorts (gnomAD); In silico analysis supports that this missense variant has a deleterious effect on protein structure/function; Has not been previously published as pathogenic or benign to our knowledge

Ambry Genetics
Classification: Uncertain significance for Inborn genetic diseases. Last evaluated: 2025-04-10. Review status: criteria provided, single submitter. Criteria: Ambry Variant Classification Scheme 2023. Collection method: clinical testing. Allele origin: germline.